The following is an entry in ClinVar:

ClinVar aggregate classification (germline): Uncertain significance (1 of 4 stars; one submission).

gnomAD v4.1: 4 of 1,613,772 alleles (0.00025%); highest among the groups gnomAD compares: Non-Finnish European, 0.00025%; no homozygotes.

Submission:

Women's Health and Genetics/Laboratory Corporation of America, LabCorp
Classification: Uncertain significance. Last evaluated: 2025-01-24. Review status: criteria provided, single submitter. Criteria: LabCorp Variant Classification Summary - May 2015. Collection method: clinical testing. Allele origin: germline.
Comment: Variant summary: GCDH c.644A>G (p.Asn215Ser) results in a conservative amino acid change in the encoded protein sequence. Three of five in-silico tools predict a damaging effect of the variant on protein function. The variant was absent in 251336 control chromosomes. The available data on variant occurrences in the general population are insufficient to allow any conclusion about variant significance. c.644A>G has been reported in the literature in individuals affected with Glutaric Acidemia Type 1 (Schuurmans_2023). These report(s) do not provide unequivocal conclusions about association of the variant with Glutaric Acidemia Type 1. To our knowledge, no experimental evidence demonstrating an impact on protein function has been reported. The following publication have been ascertained in the context of this evaluation (PMID: 37020324). No submitters have cited clinical-significance assessments for this variant to ClinVar. Based on the evidence outlined above, the variant was classified as uncertain significance.

Literature cited by the submitters: PubMed 37020324.

NM_000159.4(GCDH):c.644A>G (p.Asn215Ser)

Gene: GCDH (glutaryl-CoA dehydrogenase; plus strand). Cytogenetic location: 19p13.13.
Variant type: single nucleotide variant.
Coding change: c.644A>G on transcript NM_000159.4 (MANE Select); coding-DNA position 644, A replaced by G.
Protein change: p.Asn215Ser; replaces asparagine 215 with serine.
Molecular consequence: missense variant. On other transcripts: non-coding transcript variant (1).
Genome position (GRCh38, 1-based): chr19:12,896,213, A>G. VCF-style: chr19-12896213-A-G. GRCh37 (hg19) VCF-style: chr19-13007027-A-G.
Other names: c.644A>G, p.Asn215Ser (NM_013976.5); short protein forms N215S.
Identifiers: ClinVar variation 3769452 (VCV003769452.2).